The following is an entry in ClinVar:

NM_170754.4(TNS2):c.1676G>A (p.Arg559His)

Gene: TNS2 (tensin 2; plus strand). Cytogenetic location: 12q13.13.
Variant type: single nucleotide variant.
Coding change: c.1676G>A on transcript NM_170754.4 (MANE Select); coding-DNA position 1676, G replaced by A.
Protein change: p.Arg559His; replaces arginine 559 with histidine.
Molecular consequence: missense variant.
Genome position (GRCh38, 1-based): chr12:53,059,317, G>A. VCF-style: chr12-53059317-G-A. GRCh37 (hg19) VCF-style: chr12-53453101-G-A.
Other names: c.1676G>A, p.Arg559His (NM_001416202.1); c.1634G>A, p.Arg545His (NM_001416203.1); c.1703G>A, p.Arg568His (NM_001416204.1); c.1607G>A, p.Arg536His (NM_015319.3); c.1304G>A, p.Arg435His (NM_198316.2); short protein forms R536H, R559H, R568H, R545H, R435H.
Identifiers: ClinVar variation 4750937 (VCV004750937.2).

ClinVar aggregate classification (germline): Uncertain significance. Review status: criteria provided, multiple submitters, no conflicts (2 of 4 stars). 2 submissions from 2 submitters: Uncertain significance (2). Last evaluated 2025-09-28.

gnomAD v4.1: 39 of 1,423,774 alleles (0.0027%); highest among the groups gnomAD compares: Admixed American, 0.037%; no homozygotes.

Submissions (2):

Labcorp Genetics (formerly Invitae), Labcorp
Classification: Uncertain significance. Last evaluated: 2025-09-28. Review status: criteria provided, single submitter. Criteria: Invitae Variant Classification Sherloc (09022015). Collection method: clinical testing. Allele origin: germline.
Comment: This sequence change replaces arginine, which is basic and polar, with histidine, which is basic and polar, at codon 569 of the TNS2 protein (p.Arg569His). The frequency data for this variant in the population databases is considered unreliable, as metrics indicate poor data quality at this position in the gnomAD database. This variant has not been reported in the literature in individuals affected with TNS2-related conditions. An algorithm developed to predict the effect of missense changes on protein structure and function (PolyPhen-2) suggests that this variant is likely to be disruptive. In summary, the available evidence is currently insufficient to determine the role of this variant in disease. Therefore, it has been classified as a Variant of Uncertain Significance.

Blueprint Genetics
Classification: Uncertain significance. Last evaluated: 2023-11-30. Review status: criteria provided, single submitter. Criteria: ACMG Guidelines, 2015. Collection method: clinical testing. Allele origin: germline.